The following is an entry in ClinVar:

ClinVar aggregate classification (germline): Uncertain significance. Review status: criteria provided, multiple submitters, no conflicts (2 of 4 stars). 2 submissions from 2 submitters: Uncertain significance (2). Last evaluated 2025-05-03.

Conditions:
Hypertrophic cardiomyopathy. Also called: HYPERTROPHIC MYOCARDIOPATHY. Identifiers: Orphanet 217569, MedGen C0007194, MeSH D002312, MONDO:0005045, HP:0001639.

Allele frequency attached by ClinVar (database versions not stated): TOPMed 0.00002; gnomAD exomes 0.00003.
gnomAD v4.1: 17 of 1,613,608 alleles (0.0011%); highest among the groups gnomAD compares: East Asian, 0.033%; no homozygotes.

Submissions (2):

Ambry Genetics
Classification: Uncertain significance. Last evaluated: 2025-05-03. Review status: criteria provided, single submitter. Criteria: Ambry Variant Classification Scheme 2023. Collection method: clinical testing. Allele origin: germline.
Comment: The p.A167T variant (also known as c.499G>A), located in coding exon 3 of the MYOM1 gene, results from a G to A substitution at nucleotide position 499. The alanine at codon 167 is replaced by threonine, an amino acid with similar properties. This amino acid position is conserved. In addition, the in silico prediction for this alteration is inconclusive. Since supporting evidence is limited at this time, the clinical significance of this alteration remains unclear.

Labcorp Genetics (formerly Invitae), Labcorp
Classification: Uncertain significance for Hypertrophic cardiomyopathy. Last evaluated: 2025-03-16. Review status: criteria provided, single submitter. Criteria: Invitae Variant Classification Sherloc (09022015). Collection method: clinical testing. Allele origin: germline.
Comment: This sequence change replaces alanine, which is neutral and non-polar, with threonine, which is neutral and polar, at codon 167 of the MYOM1 protein (p.Ala167Thr). This variant is present in population databases (no rsID available, gnomAD 0.0009%). This variant has not been reported in the literature in individuals affected with MYOM1-related conditions. ClinVar contains an entry for this variant (Variation ID: 1744644). An algorithm developed to predict the effect of missense changes on protein structure and function (PolyPhen-2) suggests that this variant is likely to be tolerated. In summary, the available evidence is currently insufficient to determine the role of this variant in disease. Therefore, it has been classified as a Variant of Uncertain Significance.

NM_003803.4(MYOM1):c.499G>A (p.Ala167Thr)

Gene: MYOM1 (myomesin 1; minus strand). Cytogenetic location: 18p11.31.
Variant type: single nucleotide variant.
Coding change: c.499G>A on transcript NM_003803.4 (MANE Select); coding-DNA position 499, G replaced by A.
Protein change: p.Ala167Thr; replaces alanine 167 with threonine.
Molecular consequence: missense variant.
Genome position (GRCh38, 1-based): chr18:3,189,020, C>T on the plus strand (G>A on the coding strand, the complement: MYOM1 is on the minus strand). VCF-style: chr18-3189020-C-T. GRCh37 (hg19) VCF-style: chr18-3189018-C-T.
Other names: c.499G>A, p.Ala167Thr (NM_019856.2); short protein forms A167T.
Identifiers: ClinVar variation 1744644 (VCV001744644.4), dbSNP rs1186768013, ClinGen allele CA401716963.